The following is an entry in ClinVar:

NM_006767.4(LZTR1):c.1129C>T (p.Pro377Ser)

Gene: LZTR1 (leucine zipper like post translational regulator 1; plus strand). Cytogenetic location: 22q11.21.
Variant type: single nucleotide variant.
Coding change: c.1129C>T on transcript NM_006767.4 (MANE Select); coding-DNA position 1129, C replaced by T.
Protein change: p.Pro377Ser; replaces proline 377 with serine.
Molecular consequence: missense variant.
Genome position (GRCh38, 1-based): chr22:20,992,349, C>T. VCF-style: chr22-20992349-C-T. GRCh37 (hg19) VCF-style: chr22-21346638-C-T.
Other names: c.1129C>T (NM_006767.3); short protein forms P377S.
Identifiers: ClinVar variation 1500646 (VCV001500646.7), dbSNP rs1223628431, ClinGen allele CA410782118.

ClinVar aggregate classification (germline): Uncertain significance. Review status: criteria provided, multiple submitters, no conflicts (2 of 4 stars). 2 submissions from 2 submitters: Uncertain significance (2). Last evaluated 2024-10-11.

Conditions:
Hereditary cancer-predisposing syndrome. Also called: Tumor predisposition; Hereditary neoplastic syndrome; Neoplastic Syndromes, Hereditary; Hereditary Cancer Syndrome. Identifiers: Orphanet 140162, MedGen C0027672, MeSH D009386, MONDO:0015356.
Cardiovascular phenotype. Identifiers: MedGen CN230736.

Submissions (2):

Ambry Genetics
Classification: Uncertain significance for Cardiovascular phenotype; Hereditary cancer-predisposing syndrome. Last evaluated: 2024-10-11. Review status: criteria provided, single submitter. Criteria: Ambry Variant Classification Scheme 2023. Collection method: clinical testing. Allele origin: germline.
Comment: The p.P377S variant (also known as c.1129C>T), located in coding exon 10 of the LZTR1 gene, results from a C to T substitution at nucleotide position 1129. The proline at codon 377 is replaced by serine, an amino acid with similar properties. This amino acid position is conserved. In addition, this alteration is predicted to be tolerated by in silico analysis. Based on the available evidence, the clinical significance of this variant remains unclear.

Labcorp Genetics (formerly Invitae), Labcorp
Classification: Uncertain significance. Last evaluated: 2021-11-19. Review status: criteria provided, single submitter. Criteria: Invitae Variant Classification Sherloc (09022015). Collection method: clinical testing. Allele origin: germline.
Comment: In summary, the available evidence is currently insufficient to determine the role of this variant in disease. Therefore, it has been classified as a Variant of Uncertain Significance. Algorithms developed to predict the effect of missense changes on protein structure and function (SIFT, PolyPhen-2, Align-GVGD) all suggest that this variant is likely to be tolerated. This variant has not been reported in the literature in individuals affected with LZTR1-related conditions. This variant is not present in population databases (gnomAD no frequency). This sequence change replaces proline, which is neutral and non-polar, with serine, which is neutral and polar, at codon 377 of the LZTR1 protein (p.Pro377Ser).